The following is an entry in ClinVar:

ClinVar aggregate classification (germline): Uncertain significance (1 of 4 stars; one submission).

Allele frequency attached by ClinVar (database versions not stated): gnomAD exomes below 0.00001; ExAC 0.00001; gnomAD 0.00001; ESP Exome Variant Server 0.00008.
gnomAD v4.1: 4 of 1,612,270 alleles (0.00025%); highest among the groups gnomAD compares: African/African-American, 0.0053%; no homozygotes.

Submission:

Labcorp Genetics (formerly Invitae), Labcorp
Classification: Uncertain significance. Last evaluated: 2022-06-27. Review status: criteria provided, single submitter. Criteria: Invitae Variant Classification Sherloc (09022015). Collection method: clinical testing. Allele origin: germline.
Comment: In summary, the available evidence is currently insufficient to determine the role of this variant in disease. Therefore, it has been classified as a Variant of Uncertain Significance. Algorithms developed to predict the effect of missense changes on protein structure and function (SIFT, PolyPhen-2, Align-GVGD) all suggest that this variant is likely to be tolerated. This variant has not been reported in the literature in individuals affected with VCAN-related conditions. This variant is present in population databases (rs376468449, gnomAD 0.01%). This sequence change replaces threonine, which is neutral and polar, with serine, which is neutral and polar, at codon 2998 of the VCAN protein (p.Thr2998Ser).

NM_004385.5(VCAN):c.8993C>G (p.Thr2998Ser)

Genes: VCAN (versican; plus strand), VCAN-AS1 (VCAN antisense RNA 1; minus strand). Cytogenetic location: 5q14.3.
Variant type: single nucleotide variant.
Coding change: c.8993C>G on transcript NM_004385.5 (MANE Select); coding-DNA position 8993, C replaced by G.
Protein change: p.Thr2998Ser; replaces threonine 2998 with serine.
Molecular consequence: missense variant. On other transcripts: intron variant (2).
Genome position (GRCh38, 1-based): chr5:83,541,996, C>G. VCF-style: chr5-83541996-C-G. GRCh37 (hg19) VCF-style: chr5-82837815-C-G.
Other names: c.6032C>G, p.Thr2011Ser (NM_001164097.2); c.4004-3541C>G (NM_001164098.2); c.1043-3541C>G (NM_001126336.3); short protein forms T2998S, T2011S.
Identifiers: ClinVar variation 1524402 (VCV001524402.8), dbSNP rs376468449, ClinGen allele CA3333887.
Genomic context (GRCh38, chr5:83,541,996, plus strand): 5'-CTTCTGCTTCTGCCACCTATGGGGTCGAGGCAGGTGTGGTGCCTTGGCTAAGTCCACAGA[C>G]TTCTGAGAGGCCCACGCTTTCTTCTTCTCCAGAAATAAACCCTGAAACTCAAGCAGCTTT-3'
Protein context (NP_004376.2, residues 2988-3008): AGVVPWLSPQ[Thr2998Ser]SERPTLSSSP